The following is an entry in ClinVar:

NM_006218.4(PIK3CA):c.1195G>A (p.Ala399Thr)

Gene: PIK3CA (phosphatidylinositol-4,5-bisphosphate 3-kinase catalytic subunit alpha; plus strand). Cytogenetic location: 3q26.32.
Variant type: single nucleotide variant.
Coding change: c.1195G>A on transcript NM_006218.4 (MANE Select); coding-DNA position 1195, G replaced by A.
Protein change: p.Ala399Thr; replaces alanine 399 with threonine.
Molecular consequence: missense variant.
Genome position (GRCh38, 1-based): chr3:179,209,644, G>A. VCF-style: chr3-179209644-G-A. GRCh37 (hg19) VCF-style: chr3-178927432-G-A.
Other names: short protein forms A399T.
Identifiers: ClinVar variation 3932390 (VCV003932390.1).

ClinVar aggregate classification (germline): Uncertain significance (1 of 4 stars; one submission).

Conditions:
Inborn genetic diseases. Identifiers: MedGen C0950123, MeSH D030342.

Submission:

Ambry Genetics
Classification: Uncertain significance for Inborn genetic diseases. Last evaluated: 2025-03-28. Review status: criteria provided, single submitter. Criteria: Ambry Variant Classification Scheme 2023. Collection method: clinical testing. Allele origin: germline.
Comment: The p.A399T variant (also known as c.1195G>A), located in coding exon 6 of the PIK3CA gene, results from a G to A substitution at nucleotide position 1195. The alanine at codon 399 is replaced by threonine, an amino acid with similar properties. This amino acid position is conserved. In addition, the in silico prediction for this alteration is inconclusive. Based on the available evidence, the clinical significance of this variant remains unclear.